The following is an entry in ClinVar:

ClinVar aggregate classification (germline): Uncertain significance (1 of 4 stars; one submission).

Conditions:
Severe combined immunodeficiency due to DNA-PKcs deficiency. Also called: IMMUNODEFICIENCY 26 WITH NEUROLOGIC ABNORMALITIES; Immunodeficiency 26 with or without neurologic abnormalities. Identifiers: Orphanet 317425, MedGen C4014833, MONDO:0014423, OMIM 615966.

Allele frequency attached by ClinVar (database versions not stated): gnomAD 0.00001; TOPMed 0.00001.
gnomAD v4.1: 2 of 1,513,014 alleles (0.00013%); highest among the groups gnomAD compares: African/African-American, 0.0028%; no homozygotes.

Submission:

Labcorp Genetics (formerly Invitae), Labcorp
Classification: Uncertain significance for Severe combined immunodeficiency due to DNA-PKcs deficiency. Last evaluated: 2020-03-09. Review status: criteria provided, single submitter. Criteria: Invitae Variant Classification Sherloc (09022015). Collection method: clinical testing. Allele origin: germline.
Comment: In summary, the available evidence is currently insufficient to determine the role of this variant in disease. Therefore, it has been classified as a Variant of Uncertain Significance. Experimental studies and prediction algorithms are not available or were not evaluated, and the functional significance of this variant is currently unknown. This variant has not been reported in the literature in individuals with PRKDC-related conditions. This variant is not present in population databases (ExAC no frequency). This sequence change replaces histidine with glutamine at codon 1687 of the PRKDC protein (p.His1687Gln). The histidine residue is weakly conserved and there is a small physicochemical difference between histidine and glutamine.

NM_006904.7(PRKDC):c.5061T>G (p.His1687Gln)

Gene: PRKDC (protein kinase, DNA-activated, catalytic subunit; minus strand). Cytogenetic location: 8q11.21.
Variant type: single nucleotide variant.
Coding change: c.5061T>G on transcript NM_006904.7 (MANE Select); coding-DNA position 5061, T replaced by G.
Protein change: p.His1687Gln; replaces histidine 1687 with glutamine.
Molecular consequence: missense variant.
Genome position (GRCh38, 1-based): chr8:47,881,422, A>C on the plus strand (T>G on the coding strand, the complement: PRKDC is on the minus strand). VCF-style: chr8-47881422-A-C. GRCh37 (hg19) VCF-style: chr8-48793983-A-C.
Other names: c.5061T>G, p.His1687Gln (NM_001081640.2); short protein forms H1687Q.
Identifiers: ClinVar variation 1045715 (VCV001045715.5), dbSNP rs1189981425, ClinGen allele CA371139736.